The following is an entry in ClinVar:

NM_015559.3(SETBP1):c.264G>A (p.Glu88=)

Gene: SETBP1 (SET binding protein 1; plus strand). Cytogenetic location: 18q12.3.
Variant type: single nucleotide variant.
Coding change: c.264G>A on transcript NM_015559.3 (MANE Select); coding-DNA position 264, G replaced by A.
Protein change: p.Glu88=; no amino-acid change (glutamic acid 88 retained).
Molecular consequence: synonymous variant.
Genome position (GRCh38, 1-based): chr18:44,701,610, G>A. VCF-style: chr18-44701610-G-A. GRCh37 (hg19) VCF-style: chr18-42281575-G-A.
Other names: c.264G>A, p.Glu88= (NM_001130110.2, NM_001379141.1, NM_001379142.1 and 1 more transcripts); c.264G>A (NM_015559.2).
Identifiers: ClinVar variation 2064177 (VCV002064177.6), dbSNP rs774059179, ClinGen allele CA8945356.
Genomic context (GRCh38, chr18:44,701,610, plus strand): 5'-TGTGGATTCCAACTCCAACGCGGACAGTGAGAAATGGGTGGCAGGAGATGGTTTGGAAGA[G>A]CAGGAATTTTCTATCAAGGAGGCAAACTTCACAGAGGGAAGTCTGAAGCTAAAGATTCAG-3'
Protein context (NP_056374.2, residues 78-98): EKWVAGDGLE[Glu88=]QEFSIKEANF

ClinVar aggregate classification (germline): Likely benign. Review status: criteria provided, single submitter (1 of 4 stars). 2 submissions from 2 submitters: Likely benign (1). 1 of the submissions does not count toward it. Last evaluated 2025-07-07.

Conditions:
SETBP1-related disorder. Also called: SETBP1-related condition; SETBP1-related disorders.

Allele frequency attached by ClinVar (database versions not stated): gnomAD 0.00001; gnomAD exomes below 0.00001; ExAC 0.00001.
gnomAD v4.1: 2 of 1,614,072 alleles (0.00012%); highest among the groups gnomAD compares: South Asian, 0.0011%; no homozygotes.

Submissions (2):

Labcorp Genetics (formerly Invitae), Labcorp
Classification: Likely benign. Last evaluated: 2025-07-07. Review status: criteria provided, single submitter. Criteria: Invitae Variant Classification Sherloc (09022015). Collection method: clinical testing. Allele origin: germline.

PreventionGenetics, part of Exact Sciences
Classification: Likely benign for SETBP1-related condition. Last evaluated: 2023-03-07. Review status: no assertion criteria provided. Collection method: clinical testing. Allele origin: germline. Not counted in ClinVar's aggregate classification.
Comment: This variant is classified as likely benign based on ACMG/AMP sequence variant interpretation guidelines (Richards et al. 2015 PMID: 25741868, with internal and published modifications).